The following is an entry in ClinVar:

ClinVar aggregate classification (germline): Uncertain significance. Review status: criteria provided, multiple submitters, no conflicts (2 of 4 stars). 3 submissions from 3 submitters: Uncertain significance (3). Last evaluated 2025-08-30.

Conditions:
Nemaline myopathy 9 (NEM9). Identifiers: MedGen C3810384, MONDO:0014326, OMIM 615731.
Inborn genetic diseases. Identifiers: MedGen C0950123, MeSH D030342.

Allele frequency attached by ClinVar (database versions not stated): ExAC 0.00001; gnomAD exomes 0.00001; TOPMed 0.00002; gnomAD 0.00003.
gnomAD v4.1: 37 of 1,613,848 alleles (0.0023%); highest among the groups gnomAD compares: Admixed American, 0.012%; no homozygotes.

Submissions (3):

Ambry Genetics
Classification: Uncertain significance for Inborn genetic diseases. Last evaluated: 2025-08-30. Review status: criteria provided, single submitter. Criteria: Ambry Variant Classification Scheme 2023. Collection method: clinical testing. Allele origin: germline.

GeneDx
Classification: Uncertain significance. Last evaluated: 2025-03-18. Review status: criteria provided, single submitter. Criteria: GeneDx Variant Classification Process June 2021. Collection method: clinical testing. Allele origin: germline. Affected: yes.
Comment: Not observed at significant frequency in large population cohorts (gnomAD); In silico analysis supports that this missense variant has a deleterious effect on protein structure/function; Has not been previously published as pathogenic or benign to our knowledge

Labcorp Genetics (formerly Invitae), Labcorp
Classification: Uncertain significance for Nemaline myopathy 9. Last evaluated: 2024-05-24. Review status: criteria provided, single submitter. Criteria: Invitae Variant Classification Sherloc (09022015). Collection method: clinical testing. Allele origin: germline.
Comment: This sequence change replaces arginine, which is basic and polar, with histidine, which is basic and polar, at codon 485 of the KLHL41 protein (p.Arg485His). This variant is present in population databases (rs760007708, gnomAD 0.003%). This variant has not been reported in the literature in individuals affected with KLHL41-related conditions. ClinVar contains an entry for this variant (Variation ID: 839710). Advanced modeling of protein sequence and biophysical properties (such as structural, functional, and spatial information, amino acid conservation, physicochemical variation, residue mobility, and thermodynamic stability) performed at Invitae indicates that this missense variant is expected to disrupt KLHL41 protein function with a positive predictive value of 80%. In summary, the available evidence is currently insufficient to determine the role of this variant in disease. Therefore, it has been classified as a Variant of Uncertain Significance.

NM_006063.3(KLHL41):c.1454G>A (p.Arg485His)

Gene: KLHL41 (kelch like family member 41; plus strand). Cytogenetic location: 2q31.1.
Variant type: single nucleotide variant.
Coding change: c.1454G>A on transcript NM_006063.3 (MANE Select); coding-DNA position 1454, G replaced by A.
Protein change: p.Arg485His; replaces arginine 485 with histidine.
Molecular consequence: missense variant.
Genome position (GRCh38, 1-based): chr2:169,518,267, G>A. VCF-style: chr2-169518267-G-A. GRCh37 (hg19) VCF-style: chr2-170374777-G-A.
Other names: short protein forms R485H.
Identifiers: ClinVar variation 839710 (VCV000839710.8), dbSNP rs760007708, ClinGen allele CA1956687.